The following is an entry in ClinVar:

NM_000827.4(GRIA1):c.1555A>G (p.Lys519Glu)

Gene: GRIA1 (glutamate ionotropic receptor AMPA type subunit 1; plus strand). Cytogenetic location: 5q33.2.
Variant type: single nucleotide variant.
Coding change: c.1555A>G on transcript NM_000827.4 (MANE Select); coding-DNA position 1555, A replaced by G.
Protein change: p.Lys519Glu; replaces lysine 519 with glutamic acid.
Molecular consequence: missense variant. On other transcripts: non-coding transcript variant (2).
Genome position (GRCh38, 1-based): chr5:153,705,799, A>G. VCF-style: chr5-153705799-A-G. GRCh37 (hg19) VCF-style: chr5-153085359-A-G.
Other names: c.1555A>G, p.Lys519Glu (NM_001114183.2); c.1315A>G, p.Lys439Glu (NM_001258019.2); c.1270A>G, p.Lys424Glu (NM_001258020.2); c.1585A>G, p.Lys529Glu (NM_001258021.2, NM_001258022.2); c.1348A>G, p.Lys450Glu (NM_001258023.1, NM_001364167.2); c.1387A>G, p.Lys463Glu (NM_001364165.2); c.1582A>G, p.Lys528Glu (NM_001364166.2); short protein forms K424E, K439E, K450E, K463E, K519E, K528E, K529E.
Identifiers: ClinVar variation 3251900 (VCV003251900.1), dbSNP rs2480475703.

ClinVar aggregate classification (germline): Uncertain significance (1 of 4 stars; one submission).

Allele frequency attached by ClinVar (database versions not stated): gnomAD exomes below 0.00001.
gnomAD v4.1: 2 of 1,612,300 alleles (0.00012%); highest among the groups gnomAD compares: Non-Finnish European, 0.00017%; no homozygotes.

Submission:

Women's Health and Genetics/Laboratory Corporation of America, LabCorp
Classification: Uncertain significance. Last evaluated: 2024-04-17. Review status: criteria provided, single submitter. Criteria: LabCorp Variant Classification Summary - May 2015. Collection method: clinical testing. Allele origin: germline.
Comment: Variant summary: GRIA1 c.1555A>G (p.Lys519Glu) results in a conservative amino acid change located in the Ionotropic glutamate receptor, C-terminal (IPR001320) of the encoded protein sequence. Three of five in-silico tools predict a damaging effect of the variant on protein function. The variant was absent in 251160 control chromosomes (gnomAD). The available data on variant occurrences in the general population are insufficient to allow any conclusion about variant significance. To our knowledge, no occurrence of c.1555A>G in individuals affected with Intellectual Developmental Disorder, Autosomal Dominant 67 and no experimental evidence demonstrating its impact on protein function have been reported. No submitters have cited clinical-significance assessments for this variant to ClinVar. Based on the evidence outlined above, the variant was classified as uncertain significance.